The following is an entry in ClinVar:

NM_004727.3(SLC24A1):c.851C>G (p.Pro284Arg)

Gene: SLC24A1 (solute carrier family 24 member 1; plus strand). Cytogenetic location: 15q22.31.
Variant type: single nucleotide variant.
Coding change: c.851C>G on transcript NM_004727.3 (MANE Select); coding-DNA position 851, C replaced by G.
Protein change: p.Pro284Arg; replaces proline 284 with arginine.
Molecular consequence: missense variant.
Genome position (GRCh38, 1-based): chr15:65,624,931, C>G. VCF-style: chr15-65624931-C-G. GRCh37 (hg19) VCF-style: chr15-65917269-C-G.
Other names: c.851C>G, p.Pro284Arg (NM_001301031.1, NM_001301032.1, NM_001301033.2 and 1 more transcripts); short protein forms P284R.
Identifiers: ClinVar variation 1715632 (VCV001715632.5), dbSNP rs2141464260, ClinGen allele CA392915626.

ClinVar aggregate classification (germline): Uncertain significance (1 of 4 stars; one submission).

Allele frequency attached by ClinVar (database versions not stated): 1000 Genomes Project 30x 0.00016.

Submission:

Labcorp Genetics (formerly Invitae), Labcorp
Classification: Uncertain significance. Last evaluated: 2022-08-08. Review status: criteria provided, single submitter. Criteria: Invitae Variant Classification Sherloc (09022015). Collection method: clinical testing. Allele origin: germline.
Comment: In summary, the available evidence is currently insufficient to determine the role of this variant in disease. Therefore, it has been classified as a Variant of Uncertain Significance. Algorithms developed to predict the effect of missense changes on protein structure and function (SIFT, PolyPhen-2, Align-GVGD) all suggest that this variant is likely to be tolerated. This variant has not been reported in the literature in individuals affected with SLC24A1-related conditions. This variant is not present in population databases (gnomAD no frequency). This sequence change replaces proline, which is neutral and non-polar, with arginine, which is basic and polar, at codon 284 of the SLC24A1 protein (p.Pro284Arg).